The following is an entry in ClinVar:

NM_015570.4(AUTS2):c.3151G>A (p.Gly1051Ser)

Gene: AUTS2 (activator of transcription and developmental regulator AUTS2; plus strand). Cytogenetic location: 7q11.22.
Variant type: single nucleotide variant.
Coding change: c.3151G>A on transcript NM_015570.4 (MANE Select); coding-DNA position 3151, G replaced by A.
Protein change: p.Gly1051Ser; replaces glycine 1051 with serine.
Molecular consequence: missense variant.
Genome position (GRCh38, 1-based): chr7:70,790,367, G>A. VCF-style: chr7-70790367-G-A. GRCh37 (hg19) VCF-style: chr7-70255353-G-A.
Other names: c.3079G>A, p.Gly1027Ser (NM_001127231.3); short protein forms G1027S, G1051S.
Identifiers: ClinVar variation 2131154 (VCV002131154.4), dbSNP rs2484989212, ClinGen allele CA367665585.

ClinVar aggregate classification (germline): Uncertain significance (1 of 4 stars; one submission).

Submission:

Labcorp Genetics (formerly Invitae), Labcorp
Classification: Uncertain significance. Last evaluated: 2022-04-28. Review status: criteria provided, single submitter. Criteria: Invitae Variant Classification Sherloc (09022015). Collection method: clinical testing. Allele origin: germline.
Comment: In summary, the available evidence is currently insufficient to determine the role of this variant in disease. Therefore, it has been classified as a Variant of Uncertain Significance. Algorithms developed to predict the effect of missense changes on protein structure and function are either unavailable or do not agree on the potential impact of this missense change (SIFT: "Tolerated"; PolyPhen-2: "Probably Damaging"; Align-GVGD: "Class C0"). This variant has not been reported in the literature in individuals affected with AUTS2-related conditions. This variant is not present in population databases (gnomAD no frequency). This sequence change replaces glycine, which is neutral and non-polar, with serine, which is neutral and polar, at codon 1051 of the AUTS2 protein (p.Gly1051Ser).